The following is an entry in ClinVar:

ClinVar aggregate classification (germline): Pathogenic (1 of 4 stars; one submission).

Submission:

Labcorp Genetics (formerly Invitae), Labcorp
Classification: Pathogenic. Last evaluated: 2023-01-06. Review status: criteria provided, single submitter. Criteria: Invitae Variant Classification Sherloc (09022015). Collection method: clinical testing. Allele origin: germline.
Comment: This sequence change creates a premature translational stop signal (p.Trp22*) in the GORAB gene. It is expected to result in an absent or disrupted protein product. Loss-of-function variants in GORAB are known to be pathogenic (PMID: 18997784, 19681135). This variant is not present in population databases (gnomAD no frequency). This variant has not been reported in the literature in individuals affected with GORAB-related conditions. For these reasons, this variant has been classified as Pathogenic.

Literature cited by the submitters: PubMed 18997784; PubMed 19681135.

NM_152281.3(GORAB):c.-11G>A

Genes: GORAB (golgin, RAB6 interacting; plus strand), GORAB-AS1 (GORAB antisense RNA 1; minus strand). Cytogenetic location: 1q24.2.
Variant type: single nucleotide variant.
Coding change: c.-11G>A on transcript NM_152281.3 (MANE Select); 11 bases upstream of the start codon, G replaced by A.
Molecular consequence: 5 prime UTR variant. On other transcripts: non-coding transcript variant (1).
Genome position (GRCh38, 1-based): chr1:170,532,213, G>A. VCF-style: chr1-170532213-G-A. GRCh37 (hg19) VCF-style: chr1-170501354-G-A.
Other names: c.-11G>A (NM_001146039.2, NM_001410894.1); c.-776G>A (NM_001320252.2).
Identifiers: ClinVar variation 2826473 (VCV002826473.3), dbSNP rs2525903731, ClinGen allele CA343160129.
Genomic context (GRCh38, chr1:170,532,213, plus strand): 5'-GCTGGGCAGCAGTGTTGGCAGTCGCGGCTGCGAGATTTGGGCACTTTTGGGGGTGCCGGT[G>A]GCCCGGGCCGATGGCGCAAGGTTGGGCAGGATTCTCTGAGGAGGAACTGAGGAGACTAAA-3'